The following is an entry in ClinVar:

NM_013275.6(ANKRD11):c.1199del (p.Lys400fs)

Gene: ANKRD11 (ankyrin repeat domain 11; minus strand). Cytogenetic location: 16q24.3.
Variant type: Deletion.
Coding change: c.1199del on transcript NM_013275.6 (MANE Select); coding-DNA position 1199, one base deleted (A; older notation c.1199delA).
Protein change: p.Lys400fs; shifts the reading frame from lysine 400.
Molecular consequence: frameshift variant.
Genome position (GRCh38, 1-based): chr16:89,285,343, T deleted on the plus strand (A on the coding strand, the reverse complement: ANKRD11 is on the minus strand); the first of 3 consecutive T bases (chr16:89,285,343-89,285,345); deleting any one gives the same sequence. VCF-style (leftmost placement, unchanged base first): chr16-89285342-CT-C. GRCh37 (hg19) VCF-style: chr16-89351750-CT-C.
Other names: c.1199del, p.Lys400fs (NM_001256182.2, NM_001256183.2); short protein forms K400fs.
Identifiers: ClinVar variation 3649359 (VCV003649359.2).

ClinVar aggregate classification (germline): Pathogenic (1 of 4 stars; one submission).

Conditions:
KBG syndrome (KBGS). Also called: ANKRD11-Related KBG Syndrome. Identifiers: Orphanet 2332, MedGen C0220687, MONDO:0007846, OMIM 148050.

Submission:

Labcorp Genetics (formerly Invitae), Labcorp
Classification: Pathogenic for KBG syndrome. Last evaluated: 2024-04-09. Review status: criteria provided, single submitter. Criteria: Invitae Variant Classification Sherloc (09022015). Collection method: clinical testing. Allele origin: germline.
Comment: This sequence change creates a premature translational stop signal (p.Lys400Argfs*27) in the ANKRD11 gene. It is expected to result in an absent or disrupted protein product. Loss-of-function variants in ANKRD11 are known to be pathogenic (PMID: 21782149, 25125236, 25413698, 25652421). This variant is not present in population databases (gnomAD no frequency). This variant has not been reported in the literature in individuals affected with ANKRD11-related conditions. For these reasons, this variant has been classified as Pathogenic.

Literature cited by the submitters: PubMed 21782149; PubMed 25125236; PubMed 25413698; PubMed 25652421.